The following is an entry in ClinVar:

ClinVar aggregate classification (germline): Likely benign. Review status: criteria provided, multiple submitters, no conflicts (2 of 4 stars). 3 submissions from 3 submitters: Likely benign (3). Last evaluated 2025-08-16.

Conditions:
Cardiovascular phenotype. Identifiers: MedGen CN230736.
Dilated cardiomyopathy 1DD (CMD1DD). Identifiers: Orphanet 154, MedGen C2750995, MONDO:0013168, OMIM 613172.

Allele frequency attached by ClinVar (database versions not stated): gnomAD 0.00001.
gnomAD v4.1: 1 of 1,551,430 alleles (0.000064%); highest among the groups gnomAD compares: African/African-American, 0.0014%; no homozygotes.

Submissions (3):

Labcorp Genetics (formerly Invitae), Labcorp
Classification: Likely benign for Dilated cardiomyopathy 1DD. Last evaluated: 2025-08-16. Review status: criteria provided, single submitter. Criteria: Invitae Variant Classification Sherloc (09022015). Collection method: clinical testing. Allele origin: germline.

Phosphorus, Inc.
Classification: Likely benign. Last evaluated: 2022-01-14. Review status: criteria provided, single submitter. Criteria: ACMG Guidelines, 2015. Collection method: clinical testing. Allele origin: germline. Inheritance: Autosomal dominant inheritance.
Comment: This synonymous variant is very rare and it has not occurred in population databases. This variant does not have an entry in ClinVar. This position is not conserved. In silico splicing algorithms predicted no impact on splicing (not found in scSNV). The variant has not occurred in the literature in the association with the disease. Considering that it is a silent change that does not have an apparent effect on RNA splicing machinery, the variant has been classified as Likely Benign.

Ambry Genetics
Classification: Likely benign for Cardiovascular phenotype. Last evaluated: 2021-05-14. Review status: criteria provided, single submitter. Criteria: Ambry Variant Classification Scheme 2023. Collection method: clinical testing. Allele origin: germline.

NM_001134363.3(RBM20):c.822T>C (p.Gly274=)

Gene: RBM20 (RNA binding motif protein 20; plus strand). Cytogenetic location: 10q25.2.
Variant type: single nucleotide variant.
Coding change: c.822T>C on transcript NM_001134363.3 (MANE Select); coding-DNA position 822, T replaced by C.
Protein change: p.Gly274=; no amino-acid change (glycine 274 retained).
Molecular consequence: synonymous variant.
Genome position (GRCh38, 1-based): chr10:110,781,431, T>C. VCF-style: chr10-110781431-T-C. GRCh37 (hg19) VCF-style: chr10-112541189-T-C.
Identifiers: ClinVar variation 1339312 (VCV001339312.6), dbSNP rs1209966955, ClinGen allele CA471506513.